The following is an entry in ClinVar:

ClinVar aggregate classification (germline): Conflicting classifications of pathogenicity. Review status: criteria provided, conflicting classifications (1 of 4 stars). 2 submissions from 2 submitters: Uncertain significance (1); Likely benign (1). Last evaluated 2025-02-17.

Conditions:
Developmental disorder. Identifiers: MedGen C0008073.

Allele frequency attached by ClinVar (database versions not stated): gnomAD exomes below 0.00001.
gnomAD v4.1: 1 of 1,613,980 alleles (0.000062%); highest among the groups gnomAD compares: Middle Eastern, 0.016%; no homozygotes.

Submissions (2):

GeneDx
Classification: Uncertain significance. Last evaluated: 2025-02-17. Review status: criteria provided, single submitter. Criteria: GeneDx Variant Classification Process June 2021. Collection method: clinical testing. Allele origin: germline.
Comment: Not observed at significant frequency in large population cohorts (gnomAD); In silico analysis supports that this missense variant has a deleterious effect on protein structure/function; Has not been previously published as pathogenic or benign to our knowledge

Department of Genetics, Rouen University Hospital, Normandy Center for Genomic and Personalized Medicine
Classification: Likely benign for Developmental disorder. Last evaluated: 2021-11-19. Review status: criteria provided, single submitter. Criteria: ACMG Guidelines, 2015. Collection method: clinical testing. Allele origin: paternal. Affected: yes.

NM_016604.4(KDM3B):c.3871T>C (p.Ser1291Pro)

Gene: KDM3B (lysine demethylase 3B; plus strand). Cytogenetic location: 5q31.2.
Variant type: single nucleotide variant.
Coding change: c.3871T>C on transcript NM_016604.4 (MANE Select); coding-DNA position 3871, T replaced by C.
Protein change: p.Ser1291Pro; replaces serine 1291 with proline.
Molecular consequence: missense variant.
Genome position (GRCh38, 1-based): chr5:138,420,861, T>C. VCF-style: chr5-138420861-T-C. GRCh37 (hg19) VCF-style: chr5-137756550-T-C.
Other names: short protein forms S1291P.
Identifiers: ClinVar variation 1343129 (VCV001343129.6), dbSNP rs2126994153, ClinGen allele CA361090115.
Genomic context (GRCh38, chr5:138,420,861, plus strand): 5'-CCAAAGCTTTTTAACAGTCTGTTGCTGGGTCCCACTGCCTCCAACAACAAAACCGAAGGG[T>C]CTAGCCTTCGAGACCTCCTTCACTCCGGGCCGGGAAAACTTCCTCAAACCCCCTTGGACA-3'
Protein context (NP_057688.3, residues 1281-1301): PTASNNKTEG[Ser1291Pro]SLRDLLHSGP